The following is an entry in ClinVar:

ClinVar aggregate classification (germline): Uncertain significance (1 of 4 stars; one submission).

gnomAD v4.1: 8 of 1,515,838 alleles (0.00053%); highest among the groups gnomAD compares: East Asian, 0.0025%; no homozygotes.

Submission:

Ambry Genetics
Classification: Uncertain significance. Last evaluated: 2025-01-14. Review status: criteria provided, single submitter. Criteria: Ambry Variant Classification Scheme 2023. Collection method: clinical testing. Allele origin: germline.
Comment: The p.L159V variant (also known as c.475C>G), located in coding exon 1 of the PALLD gene, results from a C to G substitution at nucleotide position 475. The leucine at codon 159 is replaced by valine, an amino acid with highly similar properties. This amino acid position is conserved. In addition, this alteration is predicted to be tolerated by in silico analysis. Based on the available evidence, the clinical significance of this variant remains unclear.

NM_001166108.2(PALLD):c.1965-12556C>G

Gene: PALLD (palladin, cytoskeletal associated protein; plus strand). Cytogenetic location: 4q32.3.
Variant type: single nucleotide variant.
Coding change: c.1965-12556C>G on transcript NM_001166108.2 (MANE Select); 12556 bases into the intron before coding-DNA position 1965, C replaced by G.
Molecular consequence: intron variant. On other transcripts: missense variant (1).
Genome position (GRCh38, 1-based): chr4:168,878,366, C>G. VCF-style: chr4-168878366-C-G. GRCh37 (hg19) VCF-style: chr4-169799517-C-G.
Other names: c.475C>G, p.Leu159Val (NM_001166110.2); c.1965-12556C>G (NM_016081.4); c.819-12556C>G (NM_001166109.2); c.-157-12556C>G (NM_001367570.1, NM_001367568.1, NM_001367567.1 and 1 more transcripts); short protein forms L159V.
Identifiers: ClinVar variation 3885309 (VCV003885309.1).